The following is an entry in ClinVar:

NM_001970.5(EIF5A):c.252C>G (p.Ile84Met)

Gene: EIF5A (eukaryotic translation initiation factor 5A; plus strand). Cytogenetic location: 17p13.1.
Variant type: single nucleotide variant.
Coding change: c.252C>G on transcript NM_001970.5 (MANE Select); coding-DNA position 252, C replaced by G.
Protein change: p.Ile84Met; replaces isoleucine 84 with methionine.
Molecular consequence: missense variant.
Genome position (GRCh38, 1-based): chr17:7,311,104, C>G. VCF-style: chr17-7311104-C-G. GRCh37 (hg19) VCF-style: chr17-7214423-C-G.
Other names: c.342C>G, p.Ile114Met (NM_001143760.1); c.252C>G, p.Ile84Met (NM_001143761.1, NM_001143762.2, NM_001370420.1 and 1 more transcripts); short protein forms I114M, I84M.
Identifiers: ClinVar variation 3602366 (VCV003602366.3).

ClinVar aggregate classification (germline): Uncertain significance (1 of 4 stars; one submission).

Submission:

GeneDx
Classification: Uncertain significance. Last evaluated: 2026-09-26. Review status: criteria provided, single submitter. Criteria: GeneDx Variant Classification Process June 2021. Collection method: clinical testing. Allele origin: germline.
Comment: Not observed at significant frequency in large population cohorts (gnomAD); In silico analysis suggests that this missense variant does not alter protein structure/function; Has not been previously published as pathogenic or benign to our knowledge